The following is an entry in ClinVar:

NM_021098.3(CACNA1H):c.2762T>C (p.Leu921Pro)

Gene: CACNA1H (calcium voltage-gated channel subunit alpha1 H; plus strand). Cytogenetic location: 16p13.3.
Variant type: single nucleotide variant.
Coding change: c.2762T>C on transcript NM_021098.3 (MANE Select); coding-DNA position 2762, T replaced by C.
Protein change: p.Leu921Pro; replaces leucine 921 with proline.
Molecular consequence: missense variant.
Genome position (GRCh38, 1-based): chr16:1,206,262, T>C. VCF-style: chr16-1206262-T-C. GRCh37 (hg19) VCF-style: chr16-1256262-T-C.
Other names: c.2762T>C, p.Leu921Pro (NM_001005407.2); short protein forms L921P.
Identifiers: ClinVar variation 4886626 (VCV004886626.2).
Genomic context (GRCh38, chr16:1,206,262, plus strand): 5'-TGCGGCGCCAGCTCGTGGTGCTGGTGAAGACCATGGACAACGTGGCTACCTTCTGCACGC[T>C]GCTCATGCTCTTCATTTTCATCTTCAGGTGGGCGCAACCCCCCTCCCGGCCCGCCCAGTG-3'
Protein context (NP_066921.2, residues 911-931): TMDNVATFCT[Leu921Pro]LMLFIFIFSI

ClinVar aggregate classification (germline): Uncertain significance (1 of 4 stars; one submission).

Submission:

Dasa
Classification: Uncertain significance. Last evaluated: 2025-01-13. Review status: criteria provided, single submitter. Criteria: DASA Assertion Criteria. Collection method: clinical testing. Allele origin: germline.
Comment: NM_021098.3(CACNA1H):c.2762T>C (p.Leu921Pro) is a missense variant that results in the substitution of leucine with proline. This variant is rare in population databases. Computational prediction algorithms are consistent with a deleterious effect. The currently available literature and clinical evidence are not sufficient to establish a definitive association between this variant and the reported condition. Therefore, this variant is classified as a variant of uncertain significance.